The following is an entry in ClinVar:

NM_181507.2(HPS5):c.2098G>T (p.Glu700Ter)

Gene: HPS5 (HPS5 biogenesis of lysosomal organelles complex 2 subunit 2; minus strand). Cytogenetic location: 11p15.1.
Variant type: single nucleotide variant.
Coding change: c.2098G>T on transcript NM_181507.2 (MANE Select); coding-DNA position 2098, G replaced by T.
Protein change: p.Glu700Ter; replaces glutamic acid 700 with a stop codon.
Molecular consequence: nonsense.
Genome position (GRCh38, 1-based): chr11:18,291,784, C>A on the plus strand (G>T on the coding strand, the complement: HPS5 is on the minus strand). VCF-style: chr11-18291784-C-A. GRCh37 (hg19) VCF-style: chr11-18313331-C-A.
Other names: c.1756G>T, p.Glu586Ter (NM_007216.4, NM_181508.2); short protein forms E586*, E700*.
Identifiers: ClinVar variation 2756795 (VCV002756795.3), dbSNP rs1430565110, ClinGen allele CA379490040.
Genomic context (GRCh38, chr11:18,291,784, plus strand): 5'-GGTCATCCAAAGACTCCCTTGGACTCCTTACACATTCACATGCTGTTTTATCAACAGATT[C>A]TTCATTGCCTAAAGAGTCCCTTTTTTCTTTTTCATTATCTTCATCTAATATTCCCTTTTT-3'

ClinVar aggregate classification (germline): Pathogenic (1 of 4 stars; one submission).

Submission:

Labcorp Genetics (formerly Invitae), Labcorp
Classification: Pathogenic. Last evaluated: 2024-01-22. Review status: criteria provided, single submitter. Criteria: Invitae Variant Classification Sherloc (09022015). Collection method: clinical testing. Allele origin: germline.
Comment: This sequence change creates a premature translational stop signal (p.Glu700*) in the HPS5 gene. It is expected to result in an absent or disrupted protein product. Loss-of-function variants in HPS5 are known to be pathogenic (PMID: 12548288, 15296495, 21833017, 26785811). This variant is not present in population databases (gnomAD no frequency). This variant has not been reported in the literature in individuals affected with HPS5-related conditions. For these reasons, this variant has been classified as Pathogenic.

Literature cited by the submitters: PubMed 12548288; PubMed 15296495; PubMed 21833017; PubMed 26785811.